The following is an entry in ClinVar:

ClinVar aggregate classification (germline): Uncertain significance (1 of 4 stars; one submission).

Conditions:
Severe early-childhood-onset retinal dystrophy (STGD1). Also called: Stargardt macular dystrophy; Juvenile onset macular degeneration; Stargardt disease 1; MACULAR DYSTROPHY WITH FLECKS, TYPE 1; STGD. Identifiers: Orphanet 364055, Orphanet 827, MedGen C1855465, MeSH D000080362, MONDO:0009549, OMIM 248200.

gnomAD v4.1: 359 of 1,612,372 alleles (0.022%); highest among the groups gnomAD compares: Middle Eastern, 0.19%; no homozygotes.

Submission:

3billion
Classification: Uncertain significance for Severe early-childhood-onset retinal dystrophy. Last evaluated: 2024-10-11. Review status: criteria provided, single submitter. Criteria: ACMG Guidelines, 2015. Collection method: clinical testing. Allele origin: germline. Affected: yes.
Comment: The variant is observed at an extremely low frequency in the gnomAD v4.1.0 dataset (total allele frequency: 0.022%). Predicted Consequence/Location: Intron variant In silico tools predict the variant to alter splicing and produce an abnormal transcript [SpliceAI: 0.28 (>=0.2, moderate evidence for spliceogenicity)]. Therefore, this variant is classified as VUS according to the recommendation of ACMG/AMP guideline.

NM_000350.3(ABCA4):c.3329-25G>A

Gene: ABCA4 (ATP binding cassette subfamily A member 4; minus strand). Cytogenetic location: 1p22.1.
Variant type: single nucleotide variant.
Coding change: c.3329-25G>A on transcript NM_000350.3 (MANE Select); 25 bases into the intron before coding-DNA position 3329, G replaced by A.
Molecular consequence: intron variant.
Genome position (GRCh38, 1-based): chr1:94,041,427, C>T on the plus strand (G>A on the coding strand, the complement: ABCA4 is on the minus strand). VCF-style: chr1-94041427-C-T. GRCh37 (hg19) VCF-style: chr1-94506983-C-T.
Other names: c.3107-25G>A (NM_001425324.1).
Identifiers: ClinVar variation 4292708 (VCV004292708.1).
Genomic context (GRCh38, chr1:94,041,427, plus strand): 5'-CGTCCATGTGGTGAGTGGACATGATGATGGTTCTGCCTGCAAGGTAGGGGCCAGGGCAAT[C>T]ACCAGGCCTGCCCTGGGTTGGGCATTGTTGGTAAAGGGTGTACAGCAATTTCCTGGCTAT-3'